The following is an entry in ClinVar:

NM_001276345.2(TNNT2):c.294+5G>A

Gene: TNNT2 (troponin T2, cardiac type; minus strand). Cytogenetic location: 1q32.1.
Variant type: single nucleotide variant.
Coding change: c.294+5G>A on transcript NM_001276345.2 (MANE Select); 5 bases into the intron after coding-DNA position 294, G replaced by A.
Molecular consequence: intron variant.
Genome position (GRCh38, 1-based): chr1:201,365,605, C>T on the plus strand (G>A on the coding strand, the complement: TNNT2 is on the minus strand). VCF-style: chr1-201365605-C-T. GRCh37 (hg19) VCF-style: chr1-201334733-C-T.
Other names: c.249+5G>A (NM_001001432.3); c.264+5G>A (NM_001001431.3, NM_001001430.3, NM_001276347.2); c.291+5G>A (NM_001276346.2); c.294+5G>A (NM_000364.4).
Identifiers: ClinVar variation 1171170 (VCV001171170.7), dbSNP rs533357783, ClinGen allele CA088964.

ClinVar aggregate classification (germline): Uncertain significance. Review status: criteria provided, multiple submitters, no conflicts (2 of 4 stars). 6 submissions from 4 submitters: Uncertain significance (6). Last evaluated 2025-09-08.

Conditions:
Cardiovascular phenotype. Identifiers: MedGen CN230736.
Cardiomyopathy (CMYO). Also called: Cardiomyopathies. Identifiers: Orphanet 167848, MedGen C0878544, MONDO:0004994, HP:0001638. Inheritance: Various modes of inheritance.
Cardiomyopathy, familial restrictive, 3. Identifiers: Orphanet 75249, MedGen C2676271, MONDO:0012900, OMIM 612422.
Hypertrophic cardiomyopathy 2. Also called: TNNT2-Related Familial Hypertrophic Cardiomyopathy. Identifiers: MedGen C1861864, MONDO:0007266, OMIM 115195.
Dilated cardiomyopathy 1D. Identifiers: Orphanet 154, Orphanet 54260, MedGen C1832243, MONDO:0011095, OMIM 601494.

Allele frequency attached by ClinVar (database versions not stated): gnomAD exomes below 0.00001; ExAC 0.00001; gnomAD 0.00001; 1000 Genomes Project 30x 0.00016; 1000 Genomes Project 0.00020.
gnomAD v4.1: 3 of 1,613,984 alleles (0.00019%); highest among the groups gnomAD compares: South Asian, 0.0022%; no homozygotes.

Submissions (6):

Labcorp Genetics (formerly Invitae), Labcorp
Classification: Uncertain significance for Cardiomyopathy, familial restrictive, 3; Hypertrophic cardiomyopathy 2; Dilated cardiomyopathy 1D. Last evaluated: 2025-09-08. Review status: criteria provided, single submitter. Criteria: Invitae Variant Classification Sherloc (09022015). Collection method: clinical testing. Allele origin: germline.
Comment: This sequence change falls in intron 8 of the TNNT2 gene. It does not directly change the encoded amino acid sequence of the TNNT2 protein. It affects a nucleotide within the consensus splice site. This variant is present in population databases (rs533357783, gnomAD 0.003%). This variant has not been reported in the literature in individuals affected with TNNT2-related conditions. ClinVar contains an entry for this variant (Variation ID: 1171170). Variants that disrupt the consensus splice site are a relatively common cause of aberrant splicing (PMID: 17576681, 9536098). Algorithms developed to predict the effect of sequence changes on RNA splicing suggest that this variant may disrupt the consensus splice site. In summary, the available evidence is currently insufficient to determine the role of this variant in disease. Therefore, it has been classified as a Variant of Uncertain Significance.

Genome-Nilou Lab
Classification: Uncertain significance for Dilated cardiomyopathy 1D. Last evaluated: 2023-04-11. Review status: criteria provided, single submitter. Criteria: ACMG Guidelines, 2015. Collection method: clinical testing. Allele origin: germline. Affected: no.

Genome-Nilou Lab
Classification: Uncertain significance for Cardiomyopathy, familial restrictive, 3. Last evaluated: 2023-04-11. Review status: criteria provided, single submitter. Criteria: ACMG Guidelines, 2015. Collection method: clinical testing. Allele origin: germline. Affected: no.

Genome-Nilou Lab
Classification: Uncertain significance for Hypertrophic cardiomyopathy 2. Last evaluated: 2023-04-11. Review status: criteria provided, single submitter. Criteria: ACMG Guidelines, 2015. Collection method: clinical testing. Allele origin: germline. Affected: no.

Ambry Genetics
Classification: Uncertain significance for Cardiovascular phenotype. Last evaluated: 2022-09-29. Review status: criteria provided, single submitter. Criteria: Ambry Variant Classification Scheme 2023. Collection method: clinical testing. Allele origin: germline.
Comment: The c.264+5G>A intronic variant results from a G to A substitution 5 nucleotides after coding exon 7 in the TNNT2 gene. This nucleotide position is highly conserved in available vertebrate species. In silico splice site analysis predicts that this alteration will result in the creation or strengthening of a novel splice donor site. Since supporting evidence is limited at this time, the clinical significance of this alteration remains unclear.

Color Diagnostics, LLC DBA Color Health
Classification: Uncertain significance for Cardiomyopathy. Last evaluated: 2020-06-22. Review status: criteria provided, single submitter. Criteria: ACMG Guidelines, 2015. Collection method: clinical testing. Allele origin: germline.
Comment: This variant causes a G to A nucleotide substitution at the +5 position of intron 8 of the TNNT2 gene. Splice site prediction tools predict that this variant may have a significant impact on RNA splicing. To our knowledge, functional studies have not been reported for this variant. This variant has not been reported in individuals affected with cardiovascular disorders in the literature. This variant has been identified in 1/250930 chromosomes in the general population by the Genome Aggregation Database (gnomAD). The available evidence is insufficient to determine the role of this variant in disease conclusively. Therefore, this variant is classified as a Variant of Uncertain Significance.

Literature cited by the submitters: PubMed 17576681 (cited by Labcorp Genetics (formerly Invitae), Labcorp); PubMed 9536098 (cited by Labcorp Genetics (formerly Invitae), Labcorp).